The following continues an entry in ClinVar:

NM_007294.4(BRCA1):c.190T>G (p.Cys64Gly)

Gene: BRCA1. ClinVar aggregate classification (germline): Pathogenic. Pathogenic (11).

Submissions 5 to 17 of 17:

Women's Health and Genetics/Laboratory Corporation of America, LabCorp
Classification: Pathogenic for Hereditary breast ovarian cancer syndrome. Last evaluated: 2023-04-24. Review status: criteria provided, single submitter. Criteria: LabCorp Variant Classification Summary - May 2015. Collection method: clinical testing. Allele origin: germline.
Comment: Variant summary: BRCA1 c.190T>G (p.Cys64Gly) results in a non-conservative amino acid change located in the Zinc finger, RING-type domain of the encoded protein sequence. Five of five in-silico tools predict a damaging effect of the variant on protein function. Several computational tools predict a significant impact on normal splicing: Three predict the variant strengthens a cryptic 5' donor site. At least one publication reports experimental evidence that this variant affects mRNA splicing (Yang_2003). The variant allele was found at a frequency of 1.2e-05 in 251096 control chromosomes. This variant has been reported in the literature in multiple individuals affected with Hereditary Breast and Ovarian Cancer (Castilla_1994, Lynce_2015, Tung_2015, Shih_2000, Serova_1997, Palmer_2020). These data indicate that the variant is very likely to be associated with disease. Functional studies using HeLa cells confirmed this variant to be deleterious by using homology-directed recombination (HDR) and single-strand annealing (SSA) assays (Ransburgh_2010, Towler_2013). Seven clinical diagnostic laboratories have submitted clinical-significance assessments for this variant to ClinVar after 2014 without evidence for independent evaluation. All laboratories classified the variant as pathogenic. Based on the evidence outlined above, the variant was classified as pathogenic.

Baylor Genetics
Classification: Pathogenic for Breast-ovarian cancer, familial, susceptibility to, 1. Last evaluated: 2023-04-04. Review status: criteria provided, single submitter. Criteria: ACMG Guidelines, 2015. Collection method: clinical testing. Allele origin: unknown.

Color Diagnostics, LLC DBA Color Health
Classification: Pathogenic for Hereditary cancer-predisposing syndrome. Last evaluated: 2023-03-30. Review status: criteria provided, single submitter. Criteria: ACMG Guidelines, 2015. Collection method: clinical testing. Allele origin: germline.
Comment: This missense variant replaces cysteine with glycine at codon 64 of the BRCA1 protein. Computational prediction suggests that this variant may have deleterious impact on protein structure and function (internally defined REVEL score threshold >= 0.7, PMID: 27666373). RNA study has observed that this variant causes an increase in cryptic out-of-frame splicing in exon 4 (PMID: 12915465) and functional studies have reported that the variant impacts BRCA1 function in homology-directed repair, ubiquitin ligase, haploid cell proliferation and BARD1 binding assays and rescue of DNA damage sensitivity in BRCA1-deficient cells (PMID: 8944023, 10635334, 11320250, 16403807, 20103620, 23867111, 25823446, 30209399). This variant has been detected in at least 7 individuals and families affected with breast and ovarian cancers, and this variant was found to segregate with disease in a large pedigree with a LOD score of 2.74 (PMID: 7894491, 9042907, 9816013, 25428789, 26250392, 26689913, 28831036). This variant has been identified in 3/250804 chromosomes in the general population by the Genome Aggregation Database (gnomAD). Based on the available evidence, this variant is classified as Pathogenic.

GeneDx
Classification: Pathogenic. Last evaluated: 2023-01-19. Review status: criteria provided, single submitter. Criteria: GeneDx Variant Classification Process June 2021. Collection method: clinical testing. Allele origin: germline. Affected: yes.
Comment: Published functional studies demonstrate a damaging effect: defective homologous recombination and single-strand annealing repair, impaired BARD1 binding, and abrogation of ubiquitin ligase activity (Wu et al., 1996; Brzovic et al., 2003; Ransburgh et al., 2010; Bouwman et al., 2013; Towler et al., 2013; Lu et al., 2015); Observed in individuals with familial breast and/or ovarian cancer (Castilla et al., 1994; Churpek et al., 2015; Lynce et al., 2015); In silico analysis supports that this missense variant has a deleterious effect on protein structure/function; In silico analysis supports a deleterious effect on splicing; Not observed at significant frequency in large population cohorts (gnomAD); Also known as 309T>G; This variant is associated with the following publications: (PMID: 23867111, 7894491, 23161852, 20103620, 25428789, 26689913, 26295337, 29922827, 26250392, 8944023, 12732733, 12915465, 12438698, 9167459, 27977889, 25823446, 28831036, 30209399, 30696104, 25186627, 24516540, 22034289, 18489799, 16140926, 11927492, 11320250, 11106241, 29446198, 25525159, 33087888, 30787465, 32832836, 30736435, 24389207, 20104584)

Quest Diagnostics Nichols Institute San Juan Capistrano
Classification: Pathogenic. Last evaluated: 2020-01-08. Review status: criteria provided, single submitter. Criteria: Quest Diagnostics criteria. Collection method: clinical testing. Allele origin: unknown.

Laboratory for Molecular Medicine, Mass General Brigham Personalized Medicine
Classification: Pathogenic for Hereditary breast ovarian cancer syndrome. Last evaluated: 2019-10-17. Review status: criteria provided, single submitter. Criteria: ACMG Guidelines, 2015. Collection method: clinical testing. Allele origin: germline.
Comment: The p.Cys64Gly variant in BRCA1 has been identified in at least 13 individuals with BRCA1-associated cancers and segregated with disease in at least 6 individuals from 2 families (Thompson 2002, Lynce 2015, Lu 2015, Serova 1997, Rebbeck 2018, Castilla 1994, Maxwell 2017). In addition, this variant has also been reported in ClinVar (Variation ID 17660). This variant has also been identified in 3/16182 of African chromosomes by gnomAD. Computational prediction tools and conservation analysis suggest that this variant may impact the protein, though this information is not predictive enough to determine pathogenicity. In vitro and in vivo functional studies support an impact on protein function (Findlay 2018, Wu 1996, Ruffner 2001, Yang 2003, Bouwman 2013, Towler 2013, Morris 2006, Lu 2015, Castilla 1994, Ransburgh 2010, Starita 2015, Maxwell 2017). In summary, this variant meets criteria to be classified as pathogenic for autosomal dominant HBOC. ACMG/AMP Criteria applied: PS4, PM2, PS3_Moderate, PP1_Moderate, PP3

Consortium of Investigators of Modifiers of BRCA1/2 (CIMBA), c/o University of Cambridge
Classification: Pathogenic for Breast-ovarian cancer, familial, susceptibility to, 1. Last evaluated: 2015-10-02. Review status: criteria provided, single submitter. Criteria: CIMBA Mutation Classification guidelines May 2016. Collection method: clinical testing. Allele origin: germline.

Counsyl
Classification: Pathogenic for Breast-ovarian cancer, familial 1. Last evaluated: 2015-02-04. Review status: no assertion criteria provided. Collection method: literature only. Allele origin: unknown. Inheritance: Autosomal dominant inheritance. Not counted in ClinVar's aggregate classification.

Research Molecular Genetics Laboratory, Women's College Hospital, University of Toronto
Classification: Uncertain significance. Last evaluated: 2014-01-31. Review status: no assertion criteria provided. Collection method: research. Allele origin: germline. Affected: yes. Study: The Canadian Open Genetics Repository (COGR). Not counted in ClinVar's aggregate classification.

Sharing Clinical Reports Project (SCRP)
Classification: Pathogenic for Breast-ovarian cancer, familial 1. Last evaluated: 2011-06-02. Review status: no assertion criteria provided. Collection method: clinical testing. Allele origin: germline. Not counted in ClinVar's aggregate classification.

Breast Cancer Information Core (BIC) (BRCA1)
Classification: Uncertain significance for Breast-ovarian cancer, familial 1. Last evaluated: 2002-05-29. Review status: no assertion criteria provided. Collection method: clinical testing. Allele origin: germline. Affected: yes. Observed: 4 variant alleles. Not counted in ClinVar's aggregate classification.

OMIM
Classification: Pathogenic for BREAST-OVARIAN CANCER, FAMILIAL, SUSCEPTIBILITY TO, 1. Last evaluated: 1994-12-01. Review status: no assertion criteria provided. Collection method: literature only. Allele origin: germline. Not counted in ClinVar's aggregate classification.

Brotman Baty Institute, University of Washington
No classification provided (evidence only). Condition: Breast-ovarian cancer, familial 1. Review status: no classification provided. Collection method: in vitro. Allele origin: not applicable. Functional consequence: functionally_abnormal. Not counted in ClinVar's aggregate classification.
ClinVar note: "not provided" was previously submitted as the classification for the variant. However, the classification appeared to be based only on an observation of functional data so it was converted to no classification on 2025-07-30.

Literature cited by the submitters: PubMed 7894491 (cited by 8 submitters); PubMed 9042907 (cited by 6 submitters); PubMed 9816013 (cited by 3 submitters); PubMed 10635334 (cited by 3 submitters); PubMed 11106241 (cited by Ambry Genetics and Women's Health and Genetics/Laboratory Corporation of America, LabCorp); PubMed 12915465 (cited by 7 submitters); PubMed 16403807 (cited by 5 submitters); PubMed 16528604 (cited by Ambry Genetics); PubMed 19287957 (cited by Ambry Genetics); PubMed 20103620 (cited by 7 submitters); PubMed 21523855 (cited by Ambry Genetics and Laboratory for Molecular Medicine, Mass General Brigham Personalized Medicine); PubMed 23161852 (cited by 5 submitters); PubMed 23867111 (cited by 6 submitters); PubMed 25186627 (cited by Ambry Genetics and Women's Health and Genetics/Laboratory Corporation of America, LabCorp); PubMed 25428789 (cited by 3 submitters); PubMed 25823446 (cited by 4 submitters); PubMed 26250392 (cited by 5 submitters); PubMed 26689913 (cited by 5 submitters); PubMed 29446198 (cited by Ambry Genetics and Laboratory for Molecular Medicine, Mass General Brigham Personalized Medicine); PubMed 30209399 (cited by 6 submitters); PubMed 32832836 (cited by Ambry Genetics); PubMed 11320250 (cited by 4 submitters); PubMed 18489799 (cited by Labcorp Genetics (formerly Invitae), Labcorp); PubMed 22034289 (cited by Labcorp Genetics (formerly Invitae), Labcorp); PubMed 24516540 (cited by Labcorp Genetics (formerly Invitae), Labcorp); PubMed 8944023 (cited by 4 submitters); PubMed 28831036 (cited by 3 submitters); PubMed 16267036 (cited by Women's Health and Genetics/Laboratory Corporation of America, LabCorp); PubMed 18066063 (cited by Women's Health and Genetics/Laboratory Corporation of America, LabCorp); PubMed 32427313 (cited by Women's Health and Genetics/Laboratory Corporation of America, LabCorp); PubMed 11927492 (cited by Laboratory for Molecular Medicine, Mass General Brigham Personalized Medicine); PubMed 16140926 (cited by Laboratory for Molecular Medicine, Mass General Brigham Personalized Medicine); PubMed 9528852 (cited by Counsyl); PubMed 9482581 (cited by Counsyl).